The following is an entry in ClinVar:

ClinVar aggregate classification (germline): Uncertain significance (1 of 4 stars; one submission).

gnomAD v4.1: 1 of 1,595,994 alleles (0.000063%); no homozygotes.

Submission:

Labcorp Genetics (formerly Invitae), Labcorp
Classification: Uncertain significance. Last evaluated: 2022-08-17. Review status: criteria provided, single submitter. Criteria: Invitae Variant Classification Sherloc (09022015). Collection method: clinical testing. Allele origin: germline.
Comment: In summary, the available evidence is currently insufficient to determine the role of this variant in disease. Therefore, it has been classified as a Variant of Uncertain Significance. Algorithms developed to predict the effect of missense changes on protein structure and function are either unavailable or do not agree on the potential impact of this missense change (SIFT: "Deleterious"; PolyPhen-2: "Probably Damaging"; Align-GVGD: "Class C0"). This variant has not been reported in the literature in individuals affected with COL13A1-related conditions. This variant is not present in population databases (gnomAD no frequency). This sequence change replaces leucine, which is neutral and non-polar, with arginine, which is basic and polar, at codon 39 of the COL13A1 protein (p.Leu39Arg).

NM_001368882.1(COL13A1):c.116T>G (p.Leu39Arg)

Gene: COL13A1 (collagen type XIII alpha 1 chain; plus strand). Cytogenetic location: 10q22.1.
Variant type: single nucleotide variant.
Coding change: c.116T>G on transcript NM_001368882.1 (MANE Select); coding-DNA position 116, T replaced by G.
Protein change: p.Leu39Arg; replaces leucine 39 with arginine.
Molecular consequence: missense variant. On other transcripts: 5 prime UTR variant (1).
Genome position (GRCh38, 1-based): chr10:69,802,539, T>G. VCF-style: chr10-69802539-T-G. GRCh37 (hg19) VCF-style: chr10-71562295-T-G.
Other names: c.116T>G, p.Leu39Arg (NM_001130103.2, NM_001320951.2, NM_001368883.1 and 11 more transcripts); c.-538T>G (NM_001368886.1); short protein forms L39R.
Identifiers: ClinVar variation 2115941 (VCV002115941.4), dbSNP rs2540872955, ClinGen allele CA376961594.